The following is an entry in ClinVar:

ClinVar aggregate classification (germline): Uncertain significance (1 of 4 stars; one submission).

Conditions:
Inborn genetic diseases. Identifiers: MedGen C0950123, MeSH D030342.

Submission:

Ambry Genetics
Classification: Uncertain significance for Inborn genetic diseases. Last evaluated: 2025-11-13. Review status: criteria provided, single submitter. Criteria: Ambry Variant Classification Scheme 2023. Collection method: clinical testing. Allele origin: germline.
Comment: The p.L211I variant (also known as c.631C>A), located in coding exon 5 of the ELANE gene, results from a C to A substitution at nucleotide position 631. The leucine at codon 211 is replaced by isoleucine, an amino acid with highly similar properties. This amino acid position is conserved. In addition, this alteration is predicted to be tolerated by in silico analysis. Based on the available evidence, the clinical significance of this variant remains unclear.

NM_001972.4(ELANE):c.631C>A (p.Leu211Ile)

Gene: ELANE (elastase, neutrophil expressed; plus strand). Cytogenetic location: 19p13.3.
Variant type: single nucleotide variant.
Coding change: c.631C>A on transcript NM_001972.4 (MANE Select); coding-DNA position 631, C replaced by A.
Protein change: p.Leu211Ile; replaces leucine 211 with isoleucine.
Molecular consequence: missense variant.
Genome position (GRCh38, 1-based): chr19:855,991, C>A. VCF-style: chr19-855991-C-A. GRCh37 (hg19) VCF-style: chr19-855991-C-A.
Other names: short protein forms L211I.
Identifiers: ClinVar variation 4618417 (VCV004618417.1).
Genomic context (GRCh38, chr19:855,991, plus strand): 5'-GCTTCCCCACCTTGTCTGCCTCCACAGGGGGACTCCGGCAGCCCCTTGGTCTGCAACGGG[C>A]TAATCCACGGAATTGCCTCCTTCGTCCGGGGAGGCTGCGCCTCAGGGCTCTACCCCGATG-3'
Protein context (NP_001963.1, residues 201-221): DSGSPLVCNG[Leu211Ile]IHGIASFVRG